The following is an entry in ClinVar:

ClinVar aggregate classification (germline): Likely benign. Review status: criteria provided, multiple submitters, no conflicts (2 of 4 stars). 3 submissions from 3 submitters: Likely benign (3). Last evaluated 2026-02-03.

Conditions:
Nephronophthisis. Also called: Juvenile Nephronophthisis. Identifiers: Orphanet 655, MedGen C0687120, MONDO:0019005, HP:0000090.
NPHP4-related disorder. Also called: NPHP4-related condition; NPHP4-related disorders. Identifiers: MedGen CN239384.

Allele frequency attached by ClinVar (database versions not stated): gnomAD 0.00001; TOPMed 0.00001; gnomAD exomes 0.00002 and 0.00003; ExAC 0.00004.
gnomAD v4.1: 25 of 1,613,812 alleles (0.0015%); highest among the groups gnomAD compares: Admixed American, 0.0017%; no homozygotes.

Submissions (3):

Labcorp Genetics (formerly Invitae), Labcorp
Classification: Likely benign for Nephronophthisis. Last evaluated: 2026-02-03. Review status: criteria provided, single submitter. Criteria: Invitae Variant Classification Sherloc (09022015). Collection method: clinical testing. Allele origin: germline.

PreventionGenetics, part of Exact Sciences
Classification: Likely benign for NPHP4-related condition. Last evaluated: 2025-03-19. Review status: criteria provided, single submitter. Criteria: ACMG Guidelines, 2015. Collection method: clinical testing. Allele origin: germline.
Comment: This variant is classified as likely benign based on ACMG/AMP sequence variant interpretation guidelines (Richards et al. 2015 PMID: 25741868, with internal and published modifications).

Blueprint Genetics
Classification: Likely benign. Last evaluated: 2023-06-14. Review status: criteria provided, single submitter. Criteria: ACMG Guidelines, 2015. Collection method: clinical testing. Allele origin: germline.

NM_015102.5(NPHP4):c.3270C>T (p.Ala1090=)

Gene: NPHP4 (nephrocystin 4; minus strand). Cytogenetic location: 1p36.31.
Variant type: single nucleotide variant.
Coding change: c.3270C>T on transcript NM_015102.5 (MANE Select); coding-DNA position 3270, C replaced by T.
Protein change: p.Ala1090=; no amino-acid change (alanine 1090 retained).
Molecular consequence: synonymous variant. On other transcripts: non-coding transcript variant (1).
Genome position (GRCh38, 1-based): chr1:5,873,297, G>A on the plus strand (C>T on the coding strand, the complement: NPHP4 is on the minus strand). VCF-style: chr1-5873297-G-A. GRCh37 (hg19) VCF-style: chr1-5933357-G-A.
Other names: c.3270C>T (NM_015102.4); c.1731C>T, p.Ala577= (NM_001291593.2); c.1734C>T, p.Ala578= (NM_001291594.2).
Identifiers: ClinVar variation 1150420 (VCV001150420.11), dbSNP rs767473811, ClinGen allele CA553721.